The following is an entry in ClinVar:

ClinVar aggregate classification (germline): Conflicting classifications of pathogenicity. Review status: criteria provided, conflicting classifications (1 of 4 stars). 2 submissions from 2 submitters: Uncertain significance (1); Likely benign (1). Last evaluated 2024-12-25.

Conditions:
Inborn genetic diseases. Identifiers: MedGen C0950123, MeSH D030342.

Allele frequency attached by ClinVar (database versions not stated): gnomAD 0.00001; gnomAD exomes 0.00001 and 0.00002; ExAC 0.00002; TOPMed 0.00002.
gnomAD v4.1: 11 of 1,613,994 alleles (0.00068%); highest among the groups gnomAD compares: Non-Finnish European, 0.00093%; no homozygotes.

Submissions (2):

Ambry Genetics
Classification: Likely benign for Inborn genetic diseases. Last evaluated: 2024-12-25. Review status: criteria provided, single submitter. Criteria: Ambry Variant Classification Scheme 2023. Collection method: clinical testing. Allele origin: germline.

GeneDx
Classification: Uncertain significance. Last evaluated: 2016-10-11. Review status: criteria provided, single submitter. Criteria: GeneDx Variant Classification (06012015). Collection method: clinical testing. Allele origin: germline. Affected: yes.
Comment: The R1496Q variant in the C2CD3 gene has not been reported previously as a pathogenic variant, nor as a benign variant, to our knowledge. The R1496Q variant was not observed in approximately 6500 individuals of European and African American ancestry in the NHLBI Exome Sequencing Project, indicating it is not a common benign variant in these populations. The R1496Q variant is a semi-conservative amino acid substitution, which may impact secondary protein structure as these residues differ in some properties. This substitution occurs at a position that is not conserved, and in silico analysis is inconsistent in its predictions as to whether or not the variant is damaging to the protein structure/function. Therefore, we interpret R1496Q as a variant of uncertain significance.

NM_001286577.2(C2CD3):c.4487G>A (p.Arg1496Gln)

Gene: C2CD3 (C2 domain containing 3 centriole elongation regulator; minus strand). Cytogenetic location: 11q13.4.
Variant type: single nucleotide variant.
Coding change: c.4487G>A on transcript NM_001286577.2 (MANE Select); coding-DNA position 4487, G replaced by A.
Protein change: p.Arg1496Gln; replaces arginine 1496 with glutamine.
Molecular consequence: missense variant.
Genome position (GRCh38, 1-based): chr11:74,078,231, C>T on the plus strand (G>A on the coding strand, the complement: C2CD3 is on the minus strand). VCF-style: chr11-74078231-C-T. GRCh37 (hg19) VCF-style: chr11-73789276-C-T.
Other names: c.4487G>A, p.Arg1496Gln (NM_015531.6); c.4487G>A (NM_015531.4); short protein forms R1496Q.
Identifiers: ClinVar variation 389648 (VCV000389648.3), dbSNP rs772998974, ClinGen allele CA6182136.